The following is an entry in ClinVar:

NM_014806.5(RUSC2):c.1753G>A (p.Ala585Thr)

Gene: RUSC2 (RUN and SH3 domain containing 2; plus strand). Cytogenetic location: 9p13.3.
Variant type: single nucleotide variant.
Coding change: c.1753G>A on transcript NM_014806.5 (MANE Select); coding-DNA position 1753, G replaced by A.
Protein change: p.Ala585Thr; replaces alanine 585 with threonine.
Molecular consequence: missense variant. On other transcripts: intron variant (1).
Genome position (GRCh38, 1-based): chr9:35,548,274, G>A. VCF-style: chr9-35548274-G-A. GRCh37 (hg19) VCF-style: chr9-35548271-G-A.
Other names: c.1753G>A, p.Ala585Thr (NM_001135999.2); c.-620-6786G>A (NM_001330740.2); c.1753G>A (NM_001135999.1); short protein forms A585T.
Identifiers: ClinVar variation 1464688 (VCV001464688.6), dbSNP rs374080948, ClinGen allele CA5043723.

ClinVar aggregate classification (germline): Uncertain significance. Review status: criteria provided, multiple submitters, no conflicts (2 of 4 stars). 2 submissions from 2 submitters: Uncertain significance (2). Last evaluated 2024-07-23.

Allele frequency attached by ClinVar (database versions not stated): TOPMed below 0.00001; ExAC 0.00001; gnomAD exomes 0.00001; ESP Exome Variant Server 0.00008.
gnomAD v4.1: 1 of 1,613,948 alleles (0.000062%); highest among the groups gnomAD compares: East Asian, 0.0022%; no homozygotes.

Submissions (2):

Ambry Genetics
Classification: Uncertain significance. Last evaluated: 2024-07-23. Review status: criteria provided, single submitter. Criteria: Ambry Variant Classification Scheme 2023. Collection method: clinical testing. Allele origin: germline.

Labcorp Genetics (formerly Invitae), Labcorp
Classification: Uncertain significance. Last evaluated: 2021-08-28. Review status: criteria provided, single submitter. Criteria: Invitae Variant Classification Sherloc (09022015). Collection method: clinical testing. Allele origin: germline.
Comment: This sequence change replaces alanine with threonine at codon 585 of the RUSC2 protein (p.Ala585Thr). The alanine residue is weakly conserved and there is a small physicochemical difference between alanine and threonine. This variant is present in population databases (rs374080948, ExAC 0.01%). This variant has not been reported in the literature in individuals affected with RUSC2-related conditions. Algorithms developed to predict the effect of missense changes on protein structure and function (SIFT, PolyPhen-2, Align-GVGD) all suggest that this variant is likely to be tolerated. In summary, the available evidence is currently insufficient to determine the role of this variant in disease. Therefore, it has been classified as a Variant of Uncertain Significance.